The following is an entry in ClinVar:

ClinVar aggregate classification (germline): Pathogenic. Review status: criteria provided, multiple submitters, no conflicts (2 of 4 stars). 2 submissions from 2 submitters: Pathogenic (2). Last evaluated 2023-04-19.

Conditions:
Neurofibromatosis, type 1 (NF1). Also called: VON RECKLINGHAUSEN DISEASE; NEUROFIBROMATOSIS, TYPE I, SOMATIC; Neurofibromatosis, type I; Peripheral type neurofibromatosis. Identifiers: Orphanet 636, MedGen C0027831, MONDO:0018975, OMIM 162200. Disease mechanism: loss of function.
Juvenile myelomonocytic leukemia (JMML). Also called: LEUKEMIA, JUVENILE MYELOMONOCYTIC, SOMATIC. Identifiers: Orphanet 86834, MedGen C0349639, MONDO:0011908, OMIM 607785, HP:0012209.
Neurofibromatosis-Noonan syndrome (NFNS). Also called: NEUROFIBROMATOSIS WITH NOONAN PHENOTYPE. Identifiers: Orphanet 638, MedGen C2931482, MONDO:0011035, OMIM 601321. Disease mechanism: loss of function.
Neurofibromatosis, familial spinal (FSNF). Identifiers: Orphanet 636, MedGen C1834235, MONDO:0008078, OMIM 162210. Disease mechanism: loss of function.
Café-au-lait macules with pulmonary stenosis (WTSN). Also called: PULMONIC STENOSIS WITH CAFE-AU-LAIT SPOTS. Identifiers: MedGen C0553586, MONDO:0008672, OMIM 193520.

Submissions (2):

Labcorp Genetics (formerly Invitae), Labcorp
Classification: Pathogenic for Neurofibromatosis, type 1. Last evaluated: 2023-04-19. Review status: criteria provided, single submitter. Criteria: Invitae Variant Classification Sherloc (09022015). Collection method: clinical testing. Allele origin: germline.
Comment: For these reasons, this variant has been classified as Pathogenic. ClinVar contains an entry for this variant (Variation ID: 1453480). This variant has not been reported in the literature in individuals affected with NF1-related conditions. This variant is not present in population databases (gnomAD no frequency). This sequence change creates a premature translational stop signal (p.Pro504Glnfs*22) in the NF1 gene. It is expected to result in an absent or disrupted protein product. Loss-of-function variants in NF1 are known to be pathogenic (PMID: 10712197, 23913538).

Juno Genomics, Hangzhou Juno Genomics, Inc
Classification: Pathogenic for Juvenile myelomonocytic leukemia; Neurofibromatosis-Noonan syndrome; Neurofibromatosis, familial spinal; Neurofibromatosis, type 1; Café-au-lait macules with pulmonary stenosis. Review status: criteria provided, single submitter. Criteria: ACMG Guidelines, 2015. Collection method: clinical testing. Allele origin: germline. Affected: yes.
Comment: Absent from controls (or at extremely low frequency if recessive) in Genome Aggregation Database.;Null variant in a gene where loss of function (LOF) is a known mechanism of disease.;The prevalence of the variant in affected individuals is significantly increased compared to the prevalence in controls.;De novo (both maternity and paternity confirmed) in a patient with the disease and no family history.;Patient's phenotype or family history is highly specific for a disease with a single genetic etiology.

Literature cited by the submitters: PubMed 10712197 (cited by Labcorp Genetics (formerly Invitae), Labcorp); PubMed 23913538 (cited by Labcorp Genetics (formerly Invitae), Labcorp).

NM_001042492.3(NF1):c.1511del (p.Pro504fs)

Gene: NF1 (neurofibromin 1; plus strand). Cytogenetic location: 17q11.2.
Variant type: Deletion.
Coding change: c.1511del on transcript NM_001042492.3 (MANE Select); coding-DNA position 1511, one base deleted (C; older notation c.1511delC).
Protein change: p.Pro504fs; shifts the reading frame from proline 504.
Molecular consequence: frameshift variant.
Genome position (GRCh38, 1-based): chr17:31,214,569, C deleted; the last of 2 consecutive C bases (chr17:31,214,568-31,214,569); deleting either gives the same sequence. VCF-style (leftmost placement, unchanged base first): chr17-31214567-TC-T. GRCh37 (hg19) VCF-style: chr17-29541585-TC-T.
Other names: c.1511delC, p.Pro504Glnfs (NM_000267.4); c.1511del, p.Pro504fs (NM_001128147.3); short protein forms P504fs.
Identifiers: ClinVar variation 1453480 (VCV001453480.7), dbSNP rs2143960519, ClinGen allele CA2573153647.